The following is an entry in ClinVar:

ClinVar aggregate classification (germline): Uncertain significance (1 of 4 stars; one submission).

Conditions:
Hereditary cancer-predisposing syndrome. Also called: Neoplastic Syndromes, Hereditary; Tumor predisposition; Hereditary Cancer Syndrome; Hereditary neoplastic syndrome. Identifiers: Orphanet 140162, MedGen C0027672, MeSH D009386, MONDO:0015356.

Submission:

Ambry Genetics
Classification: Uncertain significance for Hereditary cancer-predisposing syndrome. Last evaluated: 2025-12-30. Review status: criteria provided, single submitter. Criteria: Ambry Variant Classification Scheme 2023. Collection method: clinical testing. Allele origin: germline.
Comment: The p.S54R variant (also known as c.162T>A), located in coding exon 2 of the APC gene, results from a T to A substitution at nucleotide position 162. The serine at codon 54 is replaced by arginine, an amino acid with dissimilar properties. This amino acid position is conserved. In addition, in silico predictors for this gene do not accurately predict pathogenicity. Based on the available evidence, the clinical significance of this variant remains unclear.

NM_000038.6(APC):c.162T>A (p.Ser54Arg)

Gene: APC (APC regulator of Wnt signaling pathway; plus strand). Cytogenetic location: 5q22.2.
Variant type: single nucleotide variant.
Coding change: c.162T>A on transcript NM_000038.6 (MANE Select); coding-DNA position 162, T replaced by A.
Protein change: p.Ser54Arg; replaces serine 54 with arginine.
Molecular consequence: missense variant. On other transcripts: 5 prime UTR variant (8), non-coding transcript variant (2).
Genome position (GRCh38, 1-based): chr5:112,766,352, T>A. VCF-style: chr5-112766352-T-A. GRCh37 (hg19) VCF-style: chr5-112102049-T-A.
Other names: c.162T>A, p.Ser54Arg (NM_001127510.3, NM_001354895.2, NM_001354896.2 and 16 more transcripts); c.192T>A, p.Ser64Arg (NM_001127511.3, NM_001354897.2, NM_001354902.2 and 1 more transcripts); c.87T>A, p.Ser29Arg (NM_001354898.2, NM_001354904.2, NM_001407451.1); c.-16T>A (NM_001354900.2, NM_001354901.2, NM_001354905.2 and 1 more transcripts); c.-874T>A (NM_001354906.2, NM_001407470.1, NM_001407471.1 and 1 more transcripts); short protein forms S54R, S64R, S29R.
Identifiers: ClinVar variation 4843530 (VCV004843530.1).